The following is an entry in ClinVar:

ClinVar aggregate classification (germline): Uncertain significance (1 of 4 stars; one submission).

gnomAD v4.1: 2 of 1,614,078 alleles (0.00012%); highest among the groups gnomAD compares: Admixed American, 0.0033%; no homozygotes.

Submission:

Labcorp Genetics (formerly Invitae), Labcorp
Classification: Uncertain significance. Last evaluated: 2025-06-03. Review status: criteria provided, single submitter. Criteria: Invitae Variant Classification Sherloc (09022015). Collection method: clinical testing. Allele origin: germline.
Comment: This sequence change replaces serine, which is neutral and polar, with glycine, which is neutral and non-polar, at codon 178 of the MAK protein (p.Ser178Gly). This variant is present in population databases (rs572867029, gnomAD 0.003%). This variant has not been reported in the literature in individuals affected with MAK-related conditions. ClinVar contains an entry for this variant (Variation ID: 3677066). Invitae Evidence Modeling of protein sequence and biophysical properties (such as structural, functional, and spatial information, amino acid conservation, physicochemical variation, residue mobility, and thermodynamic stability) indicates that this missense variant is not expected to disrupt MAK protein function with a negative predictive value of 80%. In summary, the available evidence is currently insufficient to determine the role of this variant in disease. Therefore, it has been classified as a Variant of Uncertain Significance.

NM_001242957.3(MAK):c.532A>G (p.Ser178Gly)

Gene: MAK (male germ cell associated kinase; minus strand). Cytogenetic location: 6p24.2.
Variant type: single nucleotide variant.
Coding change: c.532A>G on transcript NM_001242957.3 (MANE Select); coding-DNA position 532, A replaced by G.
Protein change: p.Ser178Gly; replaces serine 178 with glycine.
Molecular consequence: missense variant. On other transcripts: non-coding transcript variant (2).
Genome position (GRCh38, 1-based): chr6:10,803,851, T>C on the plus strand (A>G on the coding strand, the complement: MAK is on the minus strand). VCF-style: chr6-10803851-T-C. GRCh37 (hg19) VCF-style: chr6-10804084-T-C.
Other names: c.532A>G, p.Ser178Gly (NM_001242385.2, NM_005906.6); c.430A>G, p.Ser144Gly (NM_001377262.1); short protein forms S178G, S144G.
Identifiers: ClinVar variation 3677066 (VCV003677066.2).